The following is an entry in ClinVar:

ClinVar aggregate classification (germline): Uncertain significance (1 of 4 stars; one submission).

Allele frequency attached by ClinVar (database versions not stated): gnomAD exomes 0.00006; gnomAD 0.00002.
gnomAD v4.1: 94 of 1,608,122 alleles (0.0058%); highest among the groups gnomAD compares: Non-Finnish European, 0.0078%; no homozygotes.

Submission:

Labcorp Genetics (formerly Invitae), Labcorp
Classification: Uncertain significance. Last evaluated: 2022-10-29. Review status: criteria provided, single submitter. Criteria: Invitae Variant Classification Sherloc (09022015). Collection method: clinical testing. Allele origin: germline.
Comment: This sequence change replaces aspartic acid, which is acidic and polar, with asparagine, which is neutral and polar, at codon 82 of the AHDC1 protein (p.Asp82Asn). This variant is present in population databases (no rsID available, gnomAD 0.001%). In summary, the available evidence is currently insufficient to determine the role of this variant in disease. Therefore, it has been classified as a Variant of Uncertain Significance. Algorithms developed to predict the effect of missense changes on protein structure and function are either unavailable or do not agree on the potential impact of this missense change (SIFT: "Deleterious"; PolyPhen-2: "Possibly Damaging"; Align-GVGD: "Class C0"). This variant has not been reported in the literature in individuals affected with AHDC1-related conditions.

NM_001371928.1(AHDC1):c.244G>A (p.Asp82Asn)

Gene: AHDC1 (AT-hook DNA binding motif containing 1; minus strand). Cytogenetic location: 1p36.11.
Variant type: single nucleotide variant.
Coding change: c.244G>A on transcript NM_001371928.1 (MANE Select); coding-DNA position 244, G replaced by A.
Protein change: p.Asp82Asn; replaces aspartic acid 82 with asparagine.
Molecular consequence: missense variant.
Genome position (GRCh38, 1-based): chr1:27,551,872, C>T on the plus strand (G>A on the coding strand, the complement: AHDC1 is on the minus strand). VCF-style: chr1-27551872-C-T. GRCh37 (hg19) VCF-style: chr1-27878383-C-T.
Other names: c.244G>A, p.Asp82Asn (NM_001029882.3); short protein forms D82N.
Identifiers: ClinVar variation 2964808 (VCV002964808.3), dbSNP rs1194222751, ClinGen allele CA339238181.